The following is an entry in ClinVar:

ClinVar aggregate classification (germline): Uncertain significance (1 of 4 stars; one submission).

Submission:

GeneDx
Classification: Uncertain significance. Last evaluated: 2025-03-10. Review status: criteria provided, single submitter. Criteria: GeneDx Variant Classification Process June 2021. Collection method: clinical testing. Allele origin: germline. Affected: yes.
Comment: Not observed at significant frequency in large population cohorts (gnomAD); In silico analysis indicates that this missense variant does not alter protein structure/function; Has not been previously published as pathogenic or benign to our knowledge

NM_013296.5(GPSM2):c.1565C>G (p.Thr522Arg)

Gene: GPSM2 (G protein signaling modulator 2; plus strand). Cytogenetic location: 1p13.3.
Variant type: single nucleotide variant.
Coding change: c.1565C>G on transcript NM_013296.5 (MANE Select); coding-DNA position 1565, C replaced by G.
Protein change: p.Thr522Arg; replaces threonine 522 with arginine.
Molecular consequence: missense variant.
Genome position (GRCh38, 1-based): chr1:108,922,541, C>G. VCF-style: chr1-108922541-C-G. GRCh37 (hg19) VCF-style: chr1-109465163-C-G.
Other names: c.1565C>G, p.Thr522Arg (NM_001321038.2, NM_001321039.3); short protein forms T522R.
Identifiers: ClinVar variation 4083256 (VCV004083256.1).
Genomic context (GRCh38, chr1:108,922,541, plus strand): 5'-ATAGGATGGATGATCAGAGATGTTGCTTACAAGAAAAGAACTGCCATACAGCTTCAACAA[C>G]AACTTCTTCCACTCCCCCTAAAATGATGCTAAAAAGTAAGTCATCTCTGTTTCTCCCCCG-3'
Protein context (NP_037428.3, residues 512-532): QEKNCHTAST[Thr522Arg]TSSTPPKMML